The following is an entry in ClinVar:

NM_001378454.1(ALMS1):c.5057A>G (p.Glu1686Gly)

Gene: ALMS1 (ALMS1 centrosome and basal body associated protein; plus strand). Cytogenetic location: 2p13.1.
Variant type: single nucleotide variant.
Coding change: c.5057A>G on transcript NM_001378454.1 (MANE Select); coding-DNA position 5057, A replaced by G.
Protein change: p.Glu1686Gly; replaces glutamic acid 1686 with glycine.
Molecular consequence: missense variant.
Genome position (GRCh38, 1-based): chr2:73,451,584, A>G. VCF-style: chr2-73451584-A-G. GRCh37 (hg19) VCF-style: chr2-73678711-A-G.
Other names: c.5060A>G, p.Glu1687Gly (NM_015120.4); short protein forms E1686G, E1687G.
Identifiers: ClinVar variation 1440422 (VCV001440422.4), dbSNP rs947249342, ClinGen allele CA50396248.

ClinVar aggregate classification (germline): Uncertain significance. Review status: criteria provided, multiple submitters, no conflicts (2 of 4 stars). 2 submissions from 2 submitters: Uncertain significance (2). Last evaluated 2026-01-05.

Conditions:
Cardiovascular phenotype. Identifiers: MedGen CN230736.
Alstrom syndrome (ALMS). Identifiers: Orphanet 64, MedGen C0268425, MONDO:0008763, OMIM 203800.

Allele frequency attached by ClinVar (database versions not stated): gnomAD exomes below 0.00001.
gnomAD v4.1: 5 of 1,614,084 alleles (0.00031%); highest among the groups gnomAD compares: Middle Eastern, 0.017%; no homozygotes.

Submissions (2):

Ambry Genetics
Classification: Uncertain significance for Cardiovascular phenotype. Last evaluated: 2026-01-05. Review status: criteria provided, single submitter. Criteria: Ambry Variant Classification Scheme 2023. Collection method: clinical testing. Allele origin: germline.
Comment: The p.E1687G variant (also known as c.5060A>G), located in coding exon 8 of the ALMS1 gene, results from an A to G substitution at nucleotide position 5060. The glutamic acid at codon 1687 is replaced by glycine, an amino acid with similar properties. This amino acid position is not well conserved in available vertebrate species. In addition, this alteration is predicted to be tolerated by in silico analysis. Based on the available evidence, the clinical significance of this variant remains unclear.

Labcorp Genetics (formerly Invitae), Labcorp
Classification: Uncertain significance for Alstrom syndrome. Last evaluated: 2021-08-12. Review status: criteria provided, single submitter. Criteria: Invitae Variant Classification Sherloc (09022015). Collection method: clinical testing. Allele origin: germline.